The following is an entry in ClinVar:

ClinVar aggregate classification (germline): Pathogenic. Review status: criteria provided, multiple submitters, no conflicts (2 of 4 stars). 2 submissions from 2 submitters: Pathogenic (2). Last evaluated 2024-01-28.

Conditions:
Osteogenesis imperfecta type I (OI1). Also called: Lobstein disease; OI, TYPE I; OSTEOGENESIS IMPERFECTA TARDA; OSTEOGENESIS IMPERFECTA WITH BLUE SCLERAE; Lobstein's Disease; Osteogenesis imperfecta type 1. Identifiers: Orphanet 216796, Orphanet 666, MedGen C0023931, MONDO:0008146, OMIM 166200. Disease mechanism: loss of function.

Submissions (2):

Labcorp Genetics (formerly Invitae), Labcorp
Classification: Pathogenic for Osteogenesis imperfecta type I. Last evaluated: 2024-01-28. Review status: criteria provided, single submitter. Criteria: Invitae Variant Classification Sherloc (09022015). Collection method: clinical testing. Allele origin: germline.
Comment: This sequence change affects a donor splice site in intron 39 of the COL1A1 gene. It is expected to disrupt RNA splicing. Variants that disrupt the donor or acceptor splice site typically lead to a loss of protein function (PMID: 16199547), and loss-of-function variants in COL1A1 are known to be pathogenic (PMID: 7942841, 9295084, 9443882). This variant is not present in population databases (gnomAD no frequency). Disruption of this splice site has been observed in individual(s) with osteogenesis imperfecta (PMID: 30886339). ClinVar contains an entry for this variant (Variation ID: 811967). Algorithms developed to predict the effect of sequence changes on RNA splicing suggest that this variant may disrupt the consensus splice site. For these reasons, this variant has been classified as Pathogenic.

ARUP Laboratories, Molecular Genetics and Genomics, ARUP Laboratories
Classification: Pathogenic. Last evaluated: 2019-04-19. Review status: criteria provided, single submitter. Criteria: ARUP Molecular Germline Variant Investigation Process. Collection method: clinical testing. Allele origin: germline.
Comment: The COL1A1 c.2829+1G>A variant (rs72653156), is reported in the literature in at least one individual affected with Osteogenesis imperfecta type IV (Marini 2007). This variant is absent from general population databases (1000 Genomes Project, Exome Variant Server, and Genome Aggregation Database), indicating it is not a common polymorphism. This variant abolishes the canonical splice donor site of intron 39, which is likely to disrupt gene function. Based on available information, the c.2829+1G>A variant is considered to be pathogenic.

Literature cited by the submitters: PubMed 16199547 (cited by Labcorp Genetics (formerly Invitae), Labcorp); PubMed 7942841 (cited by Labcorp Genetics (formerly Invitae), Labcorp); PubMed 9295084 (cited by Labcorp Genetics (formerly Invitae), Labcorp); PubMed 9443882 (cited by Labcorp Genetics (formerly Invitae), Labcorp); PubMed 30886339 (cited by Labcorp Genetics (formerly Invitae), Labcorp).

NM_000088.4(COL1A1):c.2829+1G>A

Gene: COL1A1 (collagen type I alpha 1 chain; minus strand). Cytogenetic location: 17q21.33.
Variant type: single nucleotide variant.
Coding change: c.2829+1G>A on transcript NM_000088.4 (MANE Select); the canonical splice donor site of the intron after coding-DNA position 2829, G replaced by A.
Molecular consequence: splice donor variant.
Genome position (GRCh38, 1-based): chr17:50,189,376, C>T on the plus strand (G>A on the coding strand, the complement: COL1A1 is on the minus strand). VCF-style: chr17-50189376-C-T. GRCh37 (hg19) VCF-style: chr17-48266737-C-T.
Identifiers: ClinVar variation 811967 (VCV000811967.14), dbSNP rs72653156, ClinGen allele CA291543183.